The following is an entry in ClinVar:

NM_007194.4(CHEK2):c.1164dup (p.Thr389fs)

Gene: CHEK2 (checkpoint kinase 2; minus strand). Cytogenetic location: 22q12.1.
Variant type: Duplication.
Coding change: c.1164dup on transcript NM_007194.4 (MANE Select); coding-DNA position 1164, one base duplicated (C; older notation c.1164dupC).
Protein change: p.Thr389fs; shifts the reading frame from threonine 389.
Molecular consequence: frameshift variant.
Genome position (GRCh38, 1-based): chr22:28,695,805, G duplicated on the plus strand (C on the coding strand, the reverse complement: CHEK2 is on the minus strand); the first of 5 consecutive G bases (chr22:28,695,805-28,695,809); duplicating any one gives the same sequence. VCF-style (leftmost placement, unchanged base first): chr22-28695804-T-TG. GRCh37 (hg19) VCF-style: chr22-29091792-T-TG.
Other names: c.1073dup, p.Thr360Hisfs (NM_145862.3); c.1164dup (NM_007194.3); c.1289dup, p.Thr432Hisfs (NM_001005735.3); c.497dup, p.Thr168Hisfs (NM_001257387.3); c.959dup, p.Thr322Hisfs (NM_001349956.3); short protein forms T360fs, T168fs, T389fs, T322fs, T432fs.
Identifiers: ClinVar variation 410004 (VCV000410004.13), dbSNP rs758677815, ClinGen allele CA16616331.

ClinVar aggregate classification (germline): Pathogenic/Likely pathogenic. Review status: criteria provided, multiple submitters, no conflicts (2 of 4 stars). 4 submissions from 4 submitters: Pathogenic (3); Likely pathogenic (1). Last evaluated 2026-01-11.

Conditions:
Hereditary cancer-predisposing syndrome. Also called: Tumor predisposition; Hereditary Cancer Syndrome; Hereditary neoplastic syndrome; Neoplastic Syndromes, Hereditary. Identifiers: Orphanet 140162, MedGen C0027672, MeSH D009386, MONDO:0015356.
Familial cancer of breast. Also called: BREAST CANCER, FAMILIAL; Hereditary breast cancer; hereditary breast carcinoma. Identifiers: Orphanet 227535, MedGen C0346153, MONDO:0016419, OMIM 114480. Disease mechanism: loss of function.

Submissions (4):

Labcorp Genetics (formerly Invitae), Labcorp
Classification: Pathogenic for Familial cancer of breast. Last evaluated: 2026-01-11. Review status: criteria provided, single submitter. Criteria: Invitae Variant Classification Sherloc (09022015). Collection method: clinical testing. Allele origin: germline.
Comment: This sequence change creates a premature translational stop signal (p.Thr389Hisfs*6) in the CHEK2 gene. It is expected to result in an absent or disrupted protein product. Loss-of-function variants in CHEK2 are known to be pathogenic (PMID: 21876083, 24713400). This variant is not present in population databases (gnomAD no frequency). This variant has not been reported in the literature in individuals affected with CHEK2-related conditions. ClinVar contains an entry for this variant (Variation ID: 410004). For these reasons, this variant has been classified as Pathogenic.

Myriad Genetics, Inc.
Classification: Pathogenic for Familial cancer of breast. Last evaluated: 2023-06-28. Review status: criteria provided, single submitter. Criteria: Myriad Autosomal Dominant, Autosomal Recessive and X-Linked Classification Criteria (2023). Collection method: clinical testing. Allele origin: unknown.
Comment: This variant is considered pathogenic. This variant creates a frameshift predicted to result in premature protein truncation.

Color Diagnostics, LLC DBA Color Health
Classification: Pathogenic for Hereditary cancer-predisposing syndrome. Last evaluated: 2022-12-05. Review status: criteria provided, single submitter. Criteria: ACMG Guidelines, 2015. Collection method: clinical testing. Allele origin: germline.
Comment: This variant inserts 1 nucleotide in exon 11 of the CHEK2 gene, creating a frameshift and premature translation stop signal. This variant is expected to result in an absent or non-functional protein product. To our knowledge, this variant has not been reported in individuals affected with CHEK2-related disorders in the literature. This variant has not been identified in the general population by the Genome Aggregation Database (gnomAD). Loss of CHEK2 function is a known mechanism of disease. Based on the available evidence, this variant is classified as Pathogenic.

Clinical Genetics Laboratory, Skane University Hospital Lund
Classification: Likely pathogenic. Last evaluated: 2022-05-27. Review status: criteria provided, single submitter. Criteria: ACMG Guidelines, 2015. Collection method: clinical testing. Allele origin: germline. Affected: yes.

Literature cited by the submitters: PubMed 21876083 (cited by Labcorp Genetics (formerly Invitae), Labcorp); PubMed 24713400 (cited by Labcorp Genetics (formerly Invitae), Labcorp).